The following is an entry in ClinVar:

NM_012243.3(SLC35A3):c.269C>T (p.Pro90Leu)

Gene: SLC35A3 (solute carrier family 35 member A3; plus strand). Cytogenetic location: 1p21.2.
Variant type: single nucleotide variant.
Coding change: c.269C>T on transcript NM_012243.3 (MANE Select); coding-DNA position 269, C replaced by T.
Protein change: p.Pro90Leu; replaces proline 90 with leucine.
Molecular consequence: missense variant.
Genome position (GRCh38, 1-based): chr1:99,999,342, C>T. VCF-style: chr1-99999342-C-T. GRCh37 (hg19) VCF-style: chr1-100464898-C-T.
Other names: c.269C>T, p.Pro90Leu (NM_001271684.2); c.395C>T, p.Pro132Leu (NM_001271685.2); short protein forms P132L, P90L.
Identifiers: ClinVar variation 2201065 (VCV002201065.1), dbSNP rs558443794, ClinGen allele CA967550.

ClinVar aggregate classification (germline): Uncertain significance (1 of 4 stars; one submission).

Conditions:
Autism spectrum disorder - epilepsy - arthrogryposis syndrome (AMRS). Identifiers: Orphanet 370943, MedGen C3809910, MONDO:0014248, OMIM 615553.

Allele frequency attached by ClinVar (database versions not stated): gnomAD exomes below 0.00001; ExAC 0.00001; gnomAD 0.00001; 1000 Genomes Project 0.00040; 1000 Genomes Project 30x 0.00047.

Submission:

Labcorp Genetics (formerly Invitae), Labcorp
Classification: Uncertain significance for Autism spectrum disorder - epilepsy - arthrogryposis syndrome. Last evaluated: 2022-02-20. Review status: criteria provided, single submitter. Criteria: Invitae Variant Classification Sherloc (09022015). Collection method: clinical testing. Allele origin: germline.
Comment: This sequence change replaces proline, which is neutral and non-polar, with leucine, which is neutral and non-polar, at codon 90 of the SLC35A3 protein (p.Pro90Leu). This variant is present in population databases (rs558443794, gnomAD 0.0009%). This variant has not been reported in the literature in individuals affected with SLC35A3-related conditions. Algorithms developed to predict the effect of missense changes on protein structure and function are either unavailable or do not agree on the potential impact of this missense change (SIFT: "Deleterious"; PolyPhen-2: "Possibly Damaging"; Align-GVGD: "Class C0"). In summary, the available evidence is currently insufficient to determine the role of this variant in disease. Therefore, it has been classified as a Variant of Uncertain Significance.